The following is an entry in ClinVar:

ClinVar aggregate classification (germline): Uncertain significance (1 of 4 stars; one submission).

Conditions:
Inborn genetic diseases. Identifiers: MedGen C0950123, MeSH D030342.

Allele frequency attached by ClinVar (database versions not stated): TOPMed below 0.00001; gnomAD exomes 0.00005.
gnomAD v4.1: 66 of 1,613,216 alleles (0.0041%); highest among the groups gnomAD compares: Non-Finnish European, 0.0055%; no homozygotes.

Submission:

Ambry Genetics
Classification: Uncertain significance for Inborn genetic diseases. Last evaluated: 2022-02-03. Review status: criteria provided, single submitter. Criteria: Ambry Variant Classification Scheme 2023. Collection method: clinical testing. Allele origin: germline.
Comment: The p.M449V variant (also known as c.1345A>G), located in coding exon 9 of the IGHMBP2 gene, results from an A to G substitution at nucleotide position 1345. The methionine at codon 449 is replaced by valine, an amino acid with highly similar properties. This amino acid position is conserved. In addition, this alteration is predicted to be tolerated by in silico analysis. Since supporting evidence is limited at this time, the clinical significance of this alteration remains unclear.

NM_002180.3(IGHMBP2):c.1345A>G (p.Met449Val)

Gene: IGHMBP2 (immunoglobulin mu DNA binding protein 2; plus strand). Cytogenetic location: 11q13.3.
Variant type: single nucleotide variant.
Coding change: c.1345A>G on transcript NM_002180.3 (MANE Select); coding-DNA position 1345, A replaced by G.
Protein change: p.Met449Val; replaces methionine 449 with valine.
Molecular consequence: missense variant.
Genome position (GRCh38, 1-based): chr11:68,933,408, A>G. VCF-style: chr11-68933408-A-G. GRCh37 (hg19) VCF-style: chr11-68700876-A-G.
Other names: short protein forms M449V.
Identifiers: ClinVar variation 1770450 (VCV001770450.2), dbSNP rs1249728010, ClinGen allele CA381649106.